The following is an entry in ClinVar:

ClinVar aggregate classification (germline): Uncertain significance. Review status: criteria provided, multiple submitters, no conflicts (2 of 4 stars). 2 submissions from 2 submitters: Uncertain significance (2). Last evaluated 2025-06-13.

Conditions:
Inborn genetic diseases. Identifiers: MedGen C0950123, MeSH D030342.

Allele frequency attached by ClinVar (database versions not stated): gnomAD exomes 0.00002; ExAC 0.00004; 1000 Genomes Project 30x 0.00016; 1000 Genomes Project 0.00020.
gnomAD v4.1: 55 of 1,557,846 alleles (0.0035%); highest among the groups gnomAD compares: African/African-American, 0.06%; no homozygotes.

Submissions (2):

Labcorp Genetics (formerly Invitae), Labcorp
Classification: Uncertain significance. Last evaluated: 2025-06-13. Review status: criteria provided, single submitter. Criteria: Invitae Variant Classification Sherloc (09022015). Collection method: clinical testing. Allele origin: germline.
Comment: This sequence change replaces proline, which is neutral and non-polar, with glutamine, which is neutral and polar, at codon 358 of the FOXA2 protein (p.Pro358Gln). This variant is present in population databases (rs565350443, gnomAD 0.05%), and has an allele count higher than expected for a pathogenic variant. This variant has not been reported in the literature in individuals affected with FOXA2-related conditions. ClinVar contains an entry for this variant (Variation ID: 2217278). An algorithm developed to predict the effect of missense changes on protein structure and function outputs the following: PolyPhen-2: "Benign". The glutamine amino acid residue is found in multiple mammalian species, which suggests that this missense change does not adversely affect protein function. In summary, the available evidence is currently insufficient to determine the role of this variant in disease. Therefore, it has been classified as a Variant of Uncertain Significance.

Ambry Genetics
Classification: Uncertain significance for Inborn genetic diseases. Last evaluated: 2021-07-20. Review status: criteria provided, single submitter. Criteria: Ambry Variant Classification Scheme 2023. Collection method: clinical testing. Allele origin: germline.

NM_021784.5(FOXA2):c.1073C>A (p.Pro358Gln)

Gene: FOXA2 (forkhead box A2; minus strand). Cytogenetic location: 20p11.21.
Variant type: single nucleotide variant.
Coding change: c.1073C>A on transcript NM_021784.5 (MANE Select); coding-DNA position 1073, C replaced by A.
Protein change: p.Pro358Gln; replaces proline 358 with glutamine.
Molecular consequence: missense variant.
Genome position (GRCh38, 1-based): chr20:22,582,169, G>T on the plus strand (C>A on the coding strand, the complement: FOXA2 is on the minus strand). VCF-style: chr20-22582169-G-T. GRCh37 (hg19) VCF-style: chr20-22562807-G-T.
Other names: c.1055C>A, p.Pro352Gln (NM_153675.3); short protein forms P352Q, P358Q.
Identifiers: ClinVar variation 2217278 (VCV002217278.3), dbSNP rs565350443, ClinGen allele CA9786916.